The following is an entry in ClinVar:

ClinVar aggregate classification (germline): Uncertain significance (0 of 4 stars; one submission).

Conditions:
KSR2-related disorder. Also called: KSR2-related condition.

Submission:

PreventionGenetics, part of Exact Sciences
Classification: Uncertain significance for KSR2-related condition. Last evaluated: 2024-03-01. Review status: no assertion criteria provided. Collection method: clinical testing. Allele origin: germline.
Comment: The KSR2 c.754A>C variant is predicted to result in the amino acid substitution p.Lys252Gln. To our knowledge, this variant has not been reported in the literature or in a large population database, indicating this variant is rare. At this time, the clinical significance of this variant is uncertain due to the absence of conclusive functional and genetic evidence.

NM_173598.6(KSR2):c.841A>C (p.Lys281Gln)

Gene: KSR2 (kinase suppressor of ras 2; minus strand). Cytogenetic location: 12q24.23.
Variant type: single nucleotide variant.
Coding change: c.841A>C on transcript NM_173598.6 (MANE Select); coding-DNA position 841, A replaced by C.
Protein change: p.Lys281Gln; replaces lysine 281 with glutamine.
Molecular consequence: missense variant.
Genome position (GRCh38, 1-based): chr12:117,761,156, T>G on the plus strand (A>C on the coding strand, the complement: KSR2 is on the minus strand). VCF-style: chr12-117761156-T-G. GRCh37 (hg19) VCF-style: chr12-118198961-T-G.
Other names: short protein forms K281Q.
Identifiers: ClinVar variation 3353535 (VCV003353535.1).